The following is an entry in ClinVar:

NM_017617.5(NOTCH1):c.2185_2186delinsAA (p.Ala729Asn)

Gene: NOTCH1 (notch receptor 1; minus strand). Cytogenetic location: 9q34.3.
Variant type: Indel.
Coding change: c.2185_2186delinsAA on transcript NM_017617.5 (MANE Select); coding-DNA positions 2185 to 2186, GC replaced by AA.
Protein change: p.Ala729Asn; replaces alanine 729 with asparagine.
Molecular consequence: missense variant.
Genome position (GRCh38, 1-based): chr9:136,514,531-136,514,532, GC replaced by TT on the plus strand (GC replaced by AA on the coding strand, the reverse complement: NOTCH1 is on the minus strand). VCF-style: chr9-136514531-GC-TT. GRCh37 (hg19) VCF-style: chr9-139408983-GC-TT.
Other names: short protein forms A729N.
Identifiers: ClinVar variation 3608592 (VCV003608592.2).
Genomic context (GRCh38, chr9:136,514,531, plus strand): 5'-TAGGACTGATGTGTCCCCATGATCGGCCCCGCCGCATACCCGTTGAGGCTGTCCCGGCAG[GC>TT]CCCGTGGACGCAGGGGTTGCTGTTGCACTCATTGACCTCAGACAGGCAGGTGGGGTCGTG-3'
Protein context (NP_060087.3, residues 719-739): ECNSNPCVHG[Ala729Asn]CRDSLNGYKC

ClinVar aggregate classification (germline): Uncertain significance (1 of 4 stars; one submission).

Conditions:
Adams-Oliver syndrome 5 (AOS5). Identifiers: Orphanet 974, MedGen C4014970, MONDO:0014459, OMIM 616028.

Submission:

Labcorp Genetics (formerly Invitae), Labcorp
Classification: Uncertain significance for Adams-Oliver syndrome 5. Last evaluated: 2024-08-06. Review status: criteria provided, single submitter. Criteria: Invitae Variant Classification Sherloc (09022015). Collection method: clinical testing. Allele origin: germline.
Comment: This sequence change replaces alanine, which is neutral and non-polar, with asparagine, which is neutral and polar, at codon 729 of the NOTCH1 protein (p.Ala729Asn). Information on the frequency of this variant in the gnomAD database is not available, as this variant may be reported differently in the database. This variant has not been reported in the literature in individuals affected with NOTCH1-related conditions. An algorithm developed to predict the effect of missense changes on protein structure and function (PolyPhen-2) suggests that this variant is likely to be tolerated. In summary, the available evidence is currently insufficient to determine the role of this variant in disease. Therefore, it has been classified as a Variant of Uncertain Significance.